The following is an entry in ClinVar:

ClinVar aggregate classification (germline): Pathogenic/Likely pathogenic. Review status: criteria provided, multiple submitters, no conflicts (2 of 4 stars). 26 submissions from 26 submitters: Pathogenic (13); Likely pathogenic (11). 2 of the submissions do not count toward it. Last evaluated 2026-04-12.

Conditions:
Thrombotic thrombocytopenic purpura. Also called: Moschowitz syndrome; Moschkowitz Disease. Identifiers: Orphanet 54057, MedGen C0034155, MONDO:0018896.
Thrombophilia with a likely monogenic cause.
ADAMTS13-related disorder. Also called: ADAMTS13-related condition.
Upshaw-Schulman syndrome (TTP). Also called: THROMBOTIC THROMBOCYTOPENIC PURPURA, HEREDITARY; Congenital thrombotic thrombocytopenic purpura. Identifiers: Orphanet 93583, MedGen C1268935, MONDO:0010122, OMIM 274150.

Allele frequency attached by ClinVar (database versions not stated): ESP Exome Variant Server 0.00077; 1000 Genomes Project 30x 0.00078; 1000 Genomes Project 0.00080; gnomAD exomes 0.00083 and 0.00114; gnomAD 0.00087 and 0.00088; TOPMed 0.00087; ExAC 0.00095.
gnomAD v4.1: 1,761 of 1,608,810 alleles (0.11%); highest among the groups gnomAD compares: Non-Finnish European, 0.13%; 3 homozygotes.

Submissions 1 to 10 of 26:

Dasa
Classification: Likely pathogenic. Last evaluated: 2026-04-12. Review status: criteria provided, single submitter. Criteria: DASA Assertion Criteria. Collection method: clinical testing. Allele origin: germline.
Comment: NM_139027.6(ADAMTS13):c.3178C>T (p.Arg1060Trp) is a missense variant that results in the substitution of arginine with tryptophan. This variant has been recurrently observed in individuals with ADAMTS13-related disorders (PMID: 26822222; PMID: 22783805; PMID: 18031293). Functional evidence supports an impact on the gene or gene product (PMID: 26822222; PMID: 22783805; PMID: 18031293). Also, this variant is rare in population databases. Based on the currently available evidence, this variant is classified as likely pathogenic.

PreventionGenetics, part of Exact Sciences
Classification: Pathogenic for ADAMTS13-related condition. Last evaluated: 2026-02-26. Review status: criteria provided, single submitter. Criteria: ACMG Guidelines, 2015. Collection method: clinical testing. Allele origin: germline.
Comment: The ADAMTS13 c.3178C>T variant is predicted to result in the amino acid substitution p.Arg1060Trp. This variant has been reported in the homozygous and compound heterozygous states in multiple patients with adult-onset thrombotic thrombocytopenic purpura (TTP) (Tao et al. 2006. PubMed ID: 16796708; Patient 5 in Schneppenheim et al. 2006. PubMed ID: 16807643; Enjeti et al. 2015. PubMed ID: 26352112; Béranger et al. 2024. PubMed ID: 38039511) and pregnancy-related TTP (Béranger et al. 2024. PubMed ID: 38039511; Family 226 in Donadelli et al. 2006. PubMed ID: 17003922; Scully et al. 2014. PubMed ID: 24859360; Rurali et al. 2015. PubMed ID: 26342041). It has been noted that women with this variant often present with TTP during their first pregnancy, while men with this variant often remain asymptomatic until later in life (Delmas et al. 2020. PubMed ID: 31971692). Functional analysis showed that this variant had variable metalloprotease activity ranging from normal (Camilleri et al. 2009. PubMed ID: 18031293) to reduced function (~46% of wild type activity) (Rurali et al. 2015. PubMed ID: 26342041; Hassenpflug et al. 2018. PubMed ID: 29554699). Additional studies showed an increase in intracellular retention (Camilleri et al. 2009. PubMed ID: 18031293; Rurali et al. 2015. PubMed ID: 26342041; Hassenpflug et al. 2018. PubMed ID: 29554699). This variant is reported in 0.13% of alleles in individuals of European (Non-Finnish) descent in gnomAD. Based on this evidence, this variant is interpreted as pathogenic.

CeGaT Center for Human Genetics Tuebingen
Classification: Likely pathogenic. Last evaluated: 2026-02-01. Review status: criteria provided, single submitter. Criteria: CeGaT Center For Human Genetics Tuebingen Variant Classification Criteria Version 2. Collection method: clinical testing. Allele origin: germline. Affected: yes. Observed: 3 variant alleles.
Comment: ADAMTS13: PM3:Very Strong, PM2:Supporting, PS3:Supporting, BP4

Labcorp Genetics (formerly Invitae), Labcorp
Classification: Pathogenic. Last evaluated: 2026-01-23. Review status: criteria provided, single submitter. Criteria: Invitae Variant Classification Sherloc (09022015). Collection method: clinical testing. Allele origin: germline.
Comment: This sequence change replaces arginine, which is basic and polar, with tryptophan, which is neutral and slightly polar, at codon 1060 of the ADAMTS13 protein (p.Arg1060Trp). This variant is present in population databases (rs142572218, gnomAD 0.1%), and has an allele count higher than expected for a pathogenic variant. This missense change has been observed in individual(s) with late-onset and/or pregnancy-related thrombotic thrombocytopenic purpura (PMID: 16796708, 16807643, 17003922, 18031293, 22547583, 26352112, 29554699, 30792199). In at least one individual the data is consistent with being in trans (on the opposite chromosome) from a pathogenic variant. It has also been observed to segregate with disease in related individuals. ClinVar contains an entry for this variant (Variation ID: 68815). An algorithm developed to predict the effect of missense changes on protein structure and function (PolyPhen-2) suggests that this variant is likely to be disruptive. Experimental studies have shown that this missense change affects ADAMTS13 function (PMID: 18031293). For these reasons, this variant has been classified as Pathogenic.

North West Genomic Laboratory Hub, Manchester University NHS Foundation Trust
Classification: Pathogenic for Thrombophilia with a likely monogenic cause. Last evaluated: 2025-12-11. Review status: criteria provided, single submitter. Criteria: ACGS Best Practice Guidelines for Variant Classification in Rare Disease 2024. Collection method: clinical testing. Allele origin: germline. Affected: yes.
Comment: PP4_Supp PS3_Mod PM3_VStr

GeneDx
Classification: Pathogenic. Last evaluated: 2025-09-21. Review status: criteria provided, single submitter. Criteria: GeneDx Variant Classification Process June 2021. Collection method: clinical testing. Allele origin: germline. Affected: yes.
Comment: Published functional studies demonstrate intracellular retention (PMID: 18031293, 29554699); In silico analysis supports that this missense variant has a deleterious effect on protein structure/function; This variant is associated with the following publications: (PMID: 36444480, 26352112, 26139087, 16796708, 18031293, 16807643, 25934476, 29554699, 30792199, 31971692, 23346910, 31980526, 34426522, 22529288)

Victorian Clinical Genetics Services, Murdoch Childrens Research Institute
Classification: Pathogenic for Upshaw-Schulman syndrome. Last evaluated: 2025-06-15. Review status: criteria provided, single submitter. Criteria: ACMG Guidelines, 2015. Collection method: clinical testing. Allele origin: germline. Affected: yes.
Comment: This variant is classified as Pathogenic. Evidence in support of pathogenic classification: Variant is present in gnomAD <0.01 for a recessive condition (v3: 124 heterozygotes, 2 homozygotes); This variant has strong previous evidence of pathogenicity in unrelated individuals. This variant has been reported as pathogenic and is one of the most common variants reported in individuals with thrombotic thrombocytopenic purpura (ClinVar; PMIDs: 18031293, 30792199); This variant has moderate functional evidence supporting abnormal protein function. Functional studies showed this variant causes severe intracellular retention (<5% secretion) of ADAMTS-13 (PMID: 18031293). Additional information: Variant is predicted to result in a missense amino acid change from arginine to tryptophan; This variant is heterozygous; This gene is associated with autosomal recessive disease; An alternative amino acid change at the same position has been observed in gnomAD (v2: 37 heterozygotes, 0 homozygotes); Variant is located in the annotated Thrombospondin type 1 domain (DECIPHER); Missense variant with conflicting in silico predictions and uninformative conservation; Loss of function is a known mechanism of disease in this gene and is associated with thrombotic thrombocytopenic purpura, hereditary (MIM#274150); Inheritance information for this variant is not currently available in this individual.

Variantyx, Inc.
Classification: Likely pathogenic for Upshaw-Schulman syndrome. Last evaluated: 2025-03-20. Review status: criteria provided, single submitter. Criteria: Variantyx Assertion Criteria 2022. Collection method: clinical testing. Allele origin: maternal.
Comment: This is a nonsynonymous variant in the ADAMTS13 gene (OMIM: 604134). Pathogenic variants in this gene have been associated with autosomal recessive hereditary thrombotic thrombocytopenic purpura. This variant has been identified in the homozygous or compound heterozygous state in at least 3 individual(s) from the published literature (PMID: 24994604, 30312976, 16807643, 16796708). Functional studies have shown that this variant alters ADAMTS13 protein function (PMID: 18031293) (PS3_Moderate). Computational algorithms produce conflicting evidence regarding the predicted functional impact of this variant (REVEL score: 0.421). This variant has a 0.1326% maximum allele frequency in non-founder control populations. Based on the current evidence, this variant is classified as likely pathogenic for autosomal recessive hereditary thrombotic thrombocytopenic purpura.

Mayo Clinic Laboratories, Mayo Clinic
Classification: Pathogenic. Last evaluated: 2025-03-04. Review status: criteria provided, single submitter. Criteria: ACMG Guidelines, 2015. Collection method: clinical testing. Allele origin: germline. Observed: 11 variant alleles.
Comment: PP1, PP5, PM1_supporting, PM3, PS3, PS4_moderate

Blueprint Genetics
Classification: Pathogenic for ADAMTS13-related disorders. Last evaluated: 2024-10-30. Review status: criteria provided, single submitter. Criteria: ACMG Guidelines, 2015. Collection method: clinical testing. Allele origin: germline. Affected: yes. Observed: 5 variant alleles.

NM_139027.6(ADAMTS13):c.3178C>T (p.Arg1060Trp)

Gene: ADAMTS13 (ADAM metallopeptidase with thrombospondin type 1 motif 13; plus strand). Cytogenetic location: 9q34.2.
Variant type: single nucleotide variant.
Coding change: c.3178C>T on transcript NM_139027.6 (MANE Select); coding-DNA position 3178, C replaced by T.
Protein change: p.Arg1060Trp; replaces arginine 1060 with tryptophan.
Molecular consequence: missense variant. On other transcripts: non-coding transcript variant (1).
Genome position (GRCh38, 1-based): chr9:133,454,548, C>T. VCF-style: chr9-133454548-C-T. GRCh37 (hg19) VCF-style: chr9-136319670-C-T.
Other names: c.3178C>T, p.Arg1060Trp (NM_139025.5); c.3085C>T, p.Arg1029Trp (NM_139026.6); short protein forms R1060W, R1029W.
Identifiers: ClinVar variation 68815 (VCV000068815.68), dbSNP rs142572218, ClinGen allele CA220022.